The following is an entry in ClinVar:

NM_000289.6(PFKM):c.1876_1877del (p.Leu626fs)

Gene: PFKM (phosphofructokinase, muscle; plus strand). Cytogenetic location: 12q13.11.
Variant type: Deletion.
Coding change: c.1876_1877del on transcript NM_000289.6 (MANE Select); coding-DNA positions 1876 to 1877, 2 bases deleted (TT; older notation c.1876_1877delTT).
Protein change: p.Leu626fs; shifts the reading frame from leucine 626.
Molecular consequence: frameshift variant. On other transcripts: non-coding transcript variant (6).
Genome position (GRCh38, 1-based): chr12:48,143,810-48,143,811, TT deleted. VCF-style (leftmost placement, unchanged base first): chr12-48143809-GTT-G. GRCh37 (hg19) VCF-style: chr12-48537592-GTT-G.
Other names: c.2089_2090del, p.Leu697fs (NM_001166686.2, NM_001354737.1, NM_001354738.1 and 1 more transcripts); c.1876_1877del, p.Leu626fs (NM_001166687.2, NM_001166688.2, NM_001354742.2 and 2 more transcripts); c.2185_2186del, p.Leu729fs (NM_001354735.1, NM_001354736.1); c.2020_2021del, p.Leu674fs (NM_001354740.1); c.1900_1901del, p.Leu634fs (NM_001354741.2); c.1789_1790del, p.Leu597fs (NM_001354745.2); c.1750_1751del, p.Leu584fs (NM_001354746.2); c.1726_1727del, p.Leu576fs (NM_001354747.2, NM_001354748.2); and 1 more; short protein forms L576fs, L584fs, L595fs, L597fs, L626fs, L634fs, L674fs, L697fs.
Identifiers: ClinVar variation 1724643 (VCV001724643.2), dbSNP rs2498640038, ClinGen allele CA2580085478.

ClinVar aggregate classification (germline): Likely pathogenic (1 of 4 stars; one submission).

Conditions:
Glycogen storage disease, type VII (GSD7). Also called: GSD VII; MUSCLE PHOSPHOFRUCTOKINASE DEFICIENCY; PFKM DEFICIENCY; TARUI DISEASE. Identifiers: Orphanet 371, MedGen C0017926, MONDO:0009295, OMIM 232800.

Submission:

Myriad Genetics, Inc.
Classification: Likely pathogenic for Glycogen storage disease, type VII. Last evaluated: 2022-02-24. Review status: criteria provided, single submitter. Criteria: Myriad Women's Health Autosomal Recessive and X-Linked Classification Criteria (2021). Collection method: clinical testing. Allele origin: unknown.
Comment: NM_001166686.1(PFKM):c.2089_2090delTT(L697Kfs*3) is expected to be pathogenic in the context of glycogen storage disease type VII. This variant is predicted to lead to an abnormal or absent protein product due to the creation of a premature termination codon in PFKM, a gene where loss-of-function variants are known to be pathogenic. Please note: this variant was assessed in the context of healthy population screening.